The following is an entry in ClinVar:

NM_004304.5(ALK):c.2032G>T (p.Asp678Tyr)

Gene: ALK (ALK receptor tyrosine kinase; minus strand). Cytogenetic location: 2p23.2.
Variant type: single nucleotide variant.
Coding change: c.2032G>T on transcript NM_004304.5 (MANE Select); coding-DNA position 2032, G replaced by T.
Protein change: p.Asp678Tyr; replaces aspartic acid 678 with tyrosine.
Molecular consequence: missense variant.
Genome position (GRCh38, 1-based): chr2:29,275,108, C>A on the plus strand (G>T on the coding strand, the complement: ALK is on the minus strand). VCF-style: chr2-29275108-C-A. GRCh37 (hg19) VCF-style: chr2-29497974-C-A.
Other names: c.2032G>T (NM_004304.4); short protein forms D678Y.
Identifiers: ClinVar variation 1002763 (VCV001002763.10), dbSNP rs892131322, ClinGen allele CA346479580.

ClinVar aggregate classification (germline): Uncertain significance. Review status: criteria provided, multiple submitters, no conflicts (2 of 4 stars). 3 submissions from 3 submitters: Uncertain significance (3). Last evaluated 2025-05-05.

Conditions:
Neuroblastoma, susceptibility to, 3. Also called: ALK-Related Neuroblastic Tumor Susceptibility. Identifiers: Orphanet 635, MedGen C2751681, MONDO:0013083, OMIM 613014.
Hereditary cancer-predisposing syndrome. Also called: Hereditary neoplastic syndrome; Neoplastic Syndromes, Hereditary; Tumor predisposition; Hereditary Cancer Syndrome. Identifiers: Orphanet 140162, MedGen C0027672, MeSH D009386, MONDO:0015356.

gnomAD v4.1: 1 of 1,614,116 alleles (0.000062%); highest among the groups gnomAD compares: Middle Eastern, 0.017%; no homozygotes.

Submissions (3):

Labcorp Genetics (formerly Invitae), Labcorp
Classification: Uncertain significance for Neuroblastoma, susceptibility to, 3. Last evaluated: 2025-05-05. Review status: criteria provided, single submitter. Criteria: Invitae Variant Classification Sherloc (09022015). Collection method: clinical testing. Allele origin: germline.
Comment: This sequence change replaces aspartic acid, which is acidic and polar, with tyrosine, which is neutral and polar, at codon 678 of the ALK protein (p.Asp678Tyr). This variant is not present in population databases (gnomAD no frequency). This variant has not been reported in the literature in individuals affected with ALK-related conditions. ClinVar contains an entry for this variant (Variation ID: 1002763). An algorithm developed to predict the effect of missense changes on protein structure and function (PolyPhen-2) suggests that this variant is likely to be disruptive. In summary, the available evidence is currently insufficient to determine the role of this variant in disease. Therefore, it has been classified as a Variant of Uncertain Significance.

Ambry Genetics
Classification: Uncertain significance for Hereditary cancer-predisposing syndrome. Last evaluated: 2024-10-28. Review status: criteria provided, single submitter. Criteria: Ambry Variant Classification Scheme 2023. Collection method: clinical testing. Allele origin: germline.
Comment: The p.D678Y variant (also known as c.2032G>T), located in coding exon 11 of the ALK gene, results from a G to T substitution at nucleotide position 2032. The aspartic acid at codon 678 is replaced by tyrosine, an amino acid with highly dissimilar properties. This amino acid position is conserved. In addition, this alteration is predicted to be deleterious by in silico analysis. Based on the available evidence, the clinical significance of this variant remains unclear.

Baylor Genetics
Classification: Uncertain significance for Neuroblastoma, susceptibility to, 3. Last evaluated: 2023-10-20. Review status: criteria provided, single submitter. Criteria: ACMG Guidelines, 2015. Collection method: clinical testing. Allele origin: unknown.